The following is an entry in ClinVar:

ClinVar aggregate classification (germline): Uncertain significance. Review status: criteria provided, multiple submitters, no conflicts (2 of 4 stars). 2 submissions from 2 submitters: Uncertain significance (2). Last evaluated 2025-04-10.

Conditions:
Inborn genetic diseases. Identifiers: MedGen C0950123, MeSH D030342.
Joubert syndrome 15 (JBTS15). Identifiers: Orphanet 475, MedGen C3280897, MONDO:0013763, OMIM 614464.

Allele frequency attached by ClinVar (database versions not stated): TOPMed below 0.00001; gnomAD 0.00001.
gnomAD v4.1: 4 of 1,613,958 alleles (0.00025%); highest among the groups gnomAD compares: African/African-American, 0.0027%; no homozygotes.

Submissions (2):

Ambry Genetics
Classification: Uncertain significance for Inborn genetic diseases. Last evaluated: 2025-04-10. Review status: criteria provided, single submitter. Criteria: Ambry Variant Classification Scheme 2023. Collection method: clinical testing. Allele origin: germline.

Labcorp Genetics (formerly Invitae), Labcorp
Classification: Uncertain significance for Joubert syndrome 15. Last evaluated: 2024-03-11. Review status: criteria provided, single submitter. Criteria: Invitae Variant Classification Sherloc (09022015). Collection method: clinical testing. Allele origin: germline.
Comment: This sequence change replaces isoleucine, which is neutral and non-polar, with valine, which is neutral and non-polar, at codon 189 of the CEP41 protein (p.Ile189Val). This variant is present in population databases (no rsID available, gnomAD 0.004%). This variant has not been reported in the literature in individuals affected with CEP41-related conditions. ClinVar contains an entry for this variant (Variation ID: 1379972). Advanced modeling of protein sequence and biophysical properties (such as structural, functional, and spatial information, amino acid conservation, physicochemical variation, residue mobility, and thermodynamic stability) performed at Invitae indicates that this missense variant is not expected to disrupt CEP41 protein function with a negative predictive value of 80%. In summary, the available evidence is currently insufficient to determine the role of this variant in disease. Therefore, it has been classified as a Variant of Uncertain Significance.

NM_018718.3(CEP41):c.565A>G (p.Ile189Val)

Gene: CEP41 (centrosomal protein 41; minus strand). Cytogenetic location: 7q32.2.
Variant type: single nucleotide variant.
Coding change: c.565A>G on transcript NM_018718.3 (MANE Select); coding-DNA position 565, A replaced by G.
Protein change: p.Ile189Val; replaces isoleucine 189 with valine.
Molecular consequence: missense variant. On other transcripts: non-coding transcript variant (1).
Genome position (GRCh38, 1-based): chr7:130,402,657, T>C on the plus strand (A>G on the coding strand, the complement: CEP41 is on the minus strand). VCF-style: chr7-130402657-T-C. GRCh37 (hg19) VCF-style: chr7-130042498-T-C.
Other names: c.565A>G, p.Ile189Val (NM_001257158.2); c.517A>G, p.Ile173Val (NM_001257159.2); c.565A>G (NM_018718.1); short protein forms I189V, I173V.
Identifiers: ClinVar variation 1379972 (VCV001379972.5), dbSNP rs782591147, ClinGen allele CA369288592.